The following is an entry in ClinVar:

NM_000051.4(ATM):c.8228C>G (p.Thr2743Arg)

Genes: ATM (ATM serine/threonine kinase; plus strand), C11orf65 (chromosome 11 open reading frame 65; minus strand). Cytogenetic location: 11q22.3.
Variant type: single nucleotide variant.
Coding change: c.8228C>G on transcript NM_000051.4 (MANE Select); coding-DNA position 8228, C replaced by G.
Protein change: p.Thr2743Arg; replaces threonine 2743 with arginine.
Molecular consequence: missense variant. On other transcripts: intron variant (2).
Genome position (GRCh38, 1-based): chr11:108,335,921, C>G. VCF-style: chr11-108335921-C-G. GRCh37 (hg19) VCF-style: chr11-108206648-C-G.
Other names: c.8228C>G, p.Thr2743Arg (NM_001351834.2); c.641-26850G>C (NM_001330368.2); c.695-629G>C (NM_001351110.2); short protein forms T2743R.
Identifiers: ClinVar variation 231523 (VCV000231523.11), dbSNP rs730881321, ClinGen allele CA10579290.

ClinVar aggregate classification (germline): Uncertain significance. Review status: criteria provided, multiple submitters, no conflicts (2 of 4 stars). 3 submissions from 3 submitters: Uncertain significance (3). Last evaluated 2025-07-01.

Conditions:
Familial colorectal cancer type X. Identifiers: Orphanet 440437, MedGen C3896578, MONDO:0018604.
Hereditary cancer-predisposing syndrome. Also called: Neoplastic Syndromes, Hereditary; Hereditary neoplastic syndrome; Tumor predisposition; Hereditary Cancer Syndrome. Identifiers: Orphanet 140162, MedGen C0027672, MeSH D009386, MONDO:0015356.
Ataxia-telangiectasia syndrome (AT). Also called: Ataxia telangiectasia (A-T); Cerebello-oculocutaneous telangiectasia; Immunodeficiency with ataxia telangiectasia; LOUIS-BAR SYNDROME; AT, COMPLEMENTATION GROUP C; ATAXIA-TELANGIECTASIA, FRESNO VARIANT. Identifiers: Orphanet 100, MedGen C0004135, MONDO:0008840, OMIM 208900.

gnomAD v4.1: 1 of 1,613,804 alleles (0.000062%); highest among the groups gnomAD compares: Non-Finnish European, 0.000085%; no homozygotes.

Submissions (3):

Ambry Genetics
Classification: Uncertain significance for Hereditary cancer-predisposing syndrome. Last evaluated: 2025-07-01. Review status: criteria provided, single submitter. Criteria: Ambry Variant Classification Scheme 2023. Collection method: clinical testing. Allele origin: germline.
Comment: The p.T2743R variant (also known as c.8228C>G), located in coding exon 55 of the ATM gene, results from a C to G substitution at nucleotide position 8228. The threonine at codon 2743 is replaced by arginine, an amino acid with similar properties. This amino acid position is not well conserved in available vertebrate species. In addition, the in silico prediction for this alteration is inconclusive. Since supporting evidence is limited at this time, the clinical significance of this alteration remains unclear.

Labcorp Genetics (formerly Invitae), Labcorp
Classification: Uncertain significance for Ataxia-telangiectasia syndrome. Last evaluated: 2024-04-06. Review status: criteria provided, single submitter. Criteria: Invitae Variant Classification Sherloc (09022015). Collection method: clinical testing. Allele origin: germline.
Comment: This sequence change replaces threonine, which is neutral and polar, with arginine, which is basic and polar, at codon 2743 of the ATM protein (p.Thr2743Arg). This variant is not present in population databases (gnomAD no frequency). This variant has not been reported in the literature in individuals affected with ATM-related conditions. ClinVar contains an entry for this variant (Variation ID: 231523). An algorithm developed to predict the effect of missense changes on protein structure and function (PolyPhen-2) suggests that this variant is likely to be tolerated. In summary, the available evidence is currently insufficient to determine the role of this variant in disease. Therefore, it has been classified as a Variant of Uncertain Significance.

Department of Pathology and Laboratory Medicine, Sinai Health System
Classification: Uncertain significance for Familial colorectal cancer type X. Last evaluated: 2022-08-29. Review status: criteria provided, single submitter. Criteria: ACMG Guidelines, 2015. Collection method: clinical testing. Allele origin: germline. Affected: yes.